The following is an entry in ClinVar:

ClinVar aggregate classification (germline): Uncertain significance (1 of 4 stars; one submission).

Conditions:
Inborn genetic diseases. Identifiers: MedGen C0950123, MeSH D030342.

Submission:

Ambry Genetics
Classification: Uncertain significance for Inborn genetic diseases. Last evaluated: 2024-03-18. Review status: criteria provided, single submitter. Criteria: Ambry Variant Classification Scheme 2023. Collection method: clinical testing. Allele origin: germline.
Comment: The c.955+3A>G intronic alteration results from an A to G substitution 3 nucleotides after coding exon 6 in the NFIX gene. This variant was not reported in population-based cohorts in the Genome Aggregation Database (gnomAD). This nucleotide position is highly conserved in available vertebrate species. In silico splice site analysis predicts that this alteration will result in the creation or strengthening of a novel splice donor site. Based on insufficient or conflicting evidence, the clinical significance of this alteration remains unclear.

NM_001365902.3(NFIX):c.955+3A>G

Gene: NFIX (nuclear factor I X; plus strand). Cytogenetic location: 19p13.13.
Variant type: single nucleotide variant.
Coding change: c.955+3A>G on transcript NM_001365902.3 (MANE Select); 3 bases into the intron after coding-DNA position 955, A replaced by G.
Molecular consequence: intron variant.
Genome position (GRCh38, 1-based): chr19:13,075,674, A>G. VCF-style: chr19-13075674-A-G. GRCh37 (hg19) VCF-style: chr19-13186488-A-G.
Other names: c.955+3A>G (NM_002501.4, NM_001365982.2); c.931+3A>G (NM_001378404.1, NM_001271044.3); c.1003+3A>G (NM_001378405.1); c.814+3A>G (NM_001365983.2); c.979+3A>G (NM_001271043.2); c.952+3A>G (NM_001365984.2, NM_001365985.2).
Identifiers: ClinVar variation 3299531 (VCV003299531.1).